The following is an entry in ClinVar:

NM_000384.3(APOB):c.1595G>A (p.Arg532Gln)

Gene: APOB (apolipoprotein B; minus strand). Cytogenetic location: 2p24.1.
Variant type: single nucleotide variant.
Coding change: c.1595G>A on transcript NM_000384.3 (MANE Select); coding-DNA position 1595, G replaced by A.
Protein change: p.Arg532Gln; replaces arginine 532 with glutamine.
Molecular consequence: missense variant.
Genome position (GRCh38, 1-based): chr2:21,029,661, C>T on the plus strand (G>A on the coding strand, the complement: APOB is on the minus strand). VCF-style: chr2-21029661-C-T. GRCh37 (hg19) VCF-style: chr2-21252533-C-T.
Other names: short protein forms R532Q.
Identifiers: ClinVar variation 440530 (VCV000440530.17), dbSNP rs753831464, ClinGen allele CA053988.

ClinVar aggregate classification (germline): Conflicting classifications of pathogenicity. Review status: criteria provided, conflicting classifications (1 of 4 stars). 5 submissions from 5 submitters: Uncertain significance (3); Benign (1). 1 of the submissions does not count toward it. Last evaluated 2026-01-20.

Conditions:
Cardiovascular phenotype. Identifiers: MedGen CN230736.
Hypercholesterolemia, autosomal dominant, type B (FHCL2). Also called: HYPERCHOLESTEROLEMIA, FAMILIAL, DUE TO LIGAND-DEFECTIVE APOLIPOPROTEIN B; Familial Hypercholesterolemia Type B; APOLIPOPROTEIN B-100, FAMILIAL DEFECTIVE; APOLIPOPROTEIN B-100, FAMILIAL LIGAND-DEFECTIVE; Familial hypercholesterolemia 2; APOB-Related Familial Hypercholesterolemia, Autosomal Dominant. Identifiers: MedGen C1704417, MONDO:0007751, OMIM 144010.
Familial hypobetalipoproteinemia 1. Also called: APOB-Related Familial Hypobetalipoproteinemia; Hypobetalipoproteinemia, normotriglyceridemic; Acanthocytosis with hypobetalipoproteinemia. Identifiers: MedGen C4551990, MONDO:0014252, OMIM 615558.

Allele frequency attached by ClinVar (database versions not stated): gnomAD 0.00002; gnomAD exomes 0.00002 and 0.00003; ExAC 0.00007; TOPMed 0.00009.
gnomAD v4.1: 28 of 1,614,072 alleles (0.0017%); highest among the groups gnomAD compares: South Asian, 0.012%; no homozygotes.

Submissions (5):

Labcorp Genetics (formerly Invitae), Labcorp
Classification: Benign for Familial hypobetalipoproteinemia 1; Hypercholesterolemia, autosomal dominant, type B. Last evaluated: 2026-01-20. Review status: criteria provided, single submitter. Criteria: Invitae Variant Classification Sherloc (09022015). Collection method: clinical testing. Allele origin: germline.

Molecular Diagnostic Laboratory for Inherited Cardiovascular Disease, Montreal Heart Institute
Classification: Uncertain significance for Cardiovascular phenotype. Last evaluated: 2025-04-09. Review status: criteria provided, single submitter. Criteria: ACMG Guidelines, 2015. Collection method: clinical testing. Allele origin: germline. Affected: yes.

Ambry Genetics
Classification: Uncertain significance for Cardiovascular phenotype. Last evaluated: 2023-04-30. Review status: criteria provided, single submitter. Criteria: Ambry Variant Classification Scheme 2023. Collection method: clinical testing. Allele origin: germline.
Comment: The p.R532Q variant (also known as c.1595G>A), located in coding exon 12 of the APOB gene, results from a G to A substitution at nucleotide position 1595. The arginine at codon 532 is replaced by glutamine, an amino acid with highly similar properties. This amino acid position is conserved. In addition, this alteration is predicted to be deleterious by in silico analysis. Since supporting evidence is limited at this time, the clinical significance of this alteration remains unclear.

Fulgent Genetics
Classification: Uncertain significance for Hypercholesterolemia, autosomal dominant, type B; Familial hypobetalipoproteinemia 1. Last evaluated: 2021-12-03. Review status: criteria provided, single submitter. Criteria: ACMG Guidelines, 2015. Collection method: clinical testing. Allele origin: unknown.

Laboratorium voor Moleculaire Diagnostiek Experimentele Vasculaire Geneeskunde, Academisch Medisch Centrum
Classification: Benign. Review status: no assertion criteria provided. Collection method: research. Allele origin: germline. Not counted in ClinVar's aggregate classification.